The following is an entry in ClinVar:

ClinVar aggregate classification (germline): Uncertain significance. Review status: criteria provided, multiple submitters, no conflicts (2 of 4 stars). 2 submissions from 2 submitters: Uncertain significance (2). Last evaluated 2026-09-07.

Conditions:
POLRMT-related disorder. Also called: POLRMT-related condition.

Allele frequency attached by ClinVar (database versions not stated): ExAC 0.00001.
gnomAD v4.1: 10 of 1,611,514 alleles (0.00062%); highest among the groups gnomAD compares: Admixed American, 0.017%; no homozygotes.

Submissions (2):

PreventionGenetics, part of Exact Sciences
Classification: Uncertain significance for POLRMT-related condition. Last evaluated: 2026-09-07. Review status: criteria provided, single submitter. Criteria: ACMG Guidelines, 2015. Collection method: clinical testing. Allele origin: germline.
Comment: The POLRMT c.3590A>G variant is predicted to result in the amino acid substitution p.Lys1197Arg. To our knowledge, this variant has not been reported in the literature. This variant is reported in 0.017% of alleles in individuals of Latino descent in gnomAD. At this time, the clinical significance of this variant is uncertain due to the absence of conclusive functional and genetic evidence.

Ambry Genetics
Classification: Uncertain significance. Last evaluated: 2025-08-25. Review status: criteria provided, single submitter. Criteria: Ambry Variant Classification Scheme 2023. Collection method: clinical testing. Allele origin: germline.

NM_005035.4(POLRMT):c.3590A>G (p.Lys1197Arg)

Gene: POLRMT (RNA polymerase mitochondrial; minus strand). Cytogenetic location: 19p13.3.
Variant type: single nucleotide variant.
Coding change: c.3590A>G on transcript NM_005035.4 (MANE Select); coding-DNA position 3590, A replaced by G.
Protein change: p.Lys1197Arg; replaces lysine 1197 with arginine.
Molecular consequence: missense variant. On other transcripts: non-coding transcript variant (1).
Genome position (GRCh38, 1-based): chr19:617,472, T>C on the plus strand (A>G on the coding strand, the complement: POLRMT is on the minus strand). VCF-style: chr19-617472-T-C. GRCh37 (hg19) VCF-style: chr19-617472-T-C.
Other names: c.3611A>G, p.Lys1204Arg (NM_001407805.1); c.3602A>G, p.Lys1201Arg (NM_001407806.1); c.3599A>G, p.Lys1200Arg (NM_001407807.1, NM_001407808.1); c.3581A>G, p.Lys1194Arg (NM_001407809.1); c.3578A>G, p.Lys1193Arg (NM_001407810.1); c.3569A>G, p.Lys1190Arg (NM_001407811.1); c.3551A>G, p.Lys1184Arg (NM_001407812.1); c.3548A>G, p.Lys1183Arg (NM_001407813.1); and 10 more; short protein forms K1063R, K1122R, K1163R, K1190R, K1194R, K1197R, K1089R, K1096R.
Identifiers: ClinVar variation 2459150 (VCV002459150.4), dbSNP rs770526110, ClinGen allele CA9019049.
Genomic context (GRCh38, chr19:617,472, plus strand): 5'-CGCCTACCTGGCTTGGGCACCGCCTGCAGTGTCTCCTTCAGCTGGCTGGCCTCCAAGATC[T>C]TCTGGGGCCTGGGGTTGGAAGCAGGGTGGGGTGAGGCTGAGGCCAGGTTTTGGGGTGGGG-3'
Protein context (NP_005026.3, residues 1187-1207): LVKRFCSEPQ[Lys1197Arg]ILEASQLKET